The following is an entry in ClinVar:

NM_001148.6(ANK2):c.741C>T (p.Asn247=)

Gene: ANK2 (ankyrin 2; plus strand). Cytogenetic location: 4q26.
Variant type: single nucleotide variant.
Coding change: c.741C>T on transcript NM_001148.6 (MANE Select); coding-DNA position 741, C replaced by T.
Protein change: p.Asn247=; no amino-acid change (asparagine 247 retained).
Molecular consequence: synonymous variant.
Genome position (GRCh38, 1-based): chr4:113,240,532, C>T. VCF-style: chr4-113240532-C-T. GRCh37 (hg19) VCF-style: chr4-114161688-C-T.
Other names: c.678C>T, p.Asn226= (NM_001127493.3, NM_001354239.2, NM_001354243.2 and 14 more transcripts); c.741C>T, p.Asn247= (NM_001354225.2, NM_001354228.2, NM_001354232.2 and 9 more transcripts); c.786C>T, p.Asn262= (NM_001354230.2, NM_001354231.2, NM_001354237.2 and 5 more transcripts); c.654C>T, p.Asn218= (NM_001354249.2, NM_001354260.2, NM_001354264.2 and 16 more transcripts); c.699C>T, p.Asn233= (NM_001354261.2, NM_001386147.1, NM_001386160.1); c.729C>T, p.Asn243= (NM_001354269.3, NM_001386148.2, NM_001386186.2); c.792C>T, p.Asn264= (NM_001386174.1); c.768C>T, p.Asn256= (NM_001386175.1); and 1 more.
Identifiers: ClinVar variation 377470 (VCV000377470.16), dbSNP rs190102899, ClinGen allele CA3050103.

ClinVar aggregate classification (germline): Conflicting classifications of pathogenicity. Review status: criteria provided, conflicting classifications (1 of 4 stars). 4 submissions from 4 submitters: Uncertain significance (1); Benign (2); Likely benign (1). Last evaluated 2025-12-15.

Conditions:
Cardiovascular phenotype. Identifiers: MedGen CN230736.
Cardiac arrhythmia, ankyrin-B-related. Also called: ANKYRIN-B SYNDROME. Identifiers: Orphanet 101016, Orphanet 768, MedGen C1970119, MONDO:0010958, OMIM 600919.
Long QT syndrome (LQTS). Identifiers: MedGen C0023976, MeSH D008133, MONDO:0002442. Disease mechanism: loss of function. Inheritance: Various modes of inheritance.

Allele frequency attached by ClinVar (database versions not stated): gnomAD exomes 0.00003 and 0.00009; ESP Exome Variant Server 0.00008; ExAC 0.00009; gnomAD 0.00019 and 0.00023; TOPMed 0.00024; 1000 Genomes Project 0.00040; 1000 Genomes Project 30x 0.00047.
gnomAD v4.1: 80 of 1,613,976 alleles (0.005%); highest among the groups gnomAD compares: African/African-American, 0.063%; no homozygotes.

Submissions (4):

Labcorp Genetics (formerly Invitae), Labcorp
Classification: Likely benign for Long QT syndrome. Last evaluated: 2025-12-15. Review status: criteria provided, single submitter. Criteria: Invitae Variant Classification Sherloc (09022015). Collection method: clinical testing. Allele origin: germline.

Ambry Genetics
Classification: Benign for Cardiovascular phenotype. Last evaluated: 2022-01-11. Review status: criteria provided, single submitter. Criteria: Ambry Variant Classification Scheme 2023. Collection method: clinical testing. Allele origin: germline.

Illumina Laboratory Services, Illumina
Classification: Uncertain significance for Cardiac arrhythmia, ankyrin-B-related. Last evaluated: 2018-01-13. Review status: criteria provided, single submitter. Criteria: ICSL Variant Classification Criteria 13 December 2019. Collection method: clinical testing. Allele origin: germline.

GeneDx
Classification: Benign. Last evaluated: 2015-04-06. Review status: criteria provided, single submitter. Criteria: GeneDx Variant Classification (06012015). Collection method: clinical testing. Allele origin: germline. Affected: yes.
Comment: This variant is considered likely benign or benign based on one or more of the following criteria: it is a conservative change, it occurs at a poorly conserved position in the protein, it is predicted to be benign by multiple in silico algorithms, and/or has population frequency not consistent with disease.